The following is an entry in ClinVar:

ClinVar aggregate classification (germline): Likely benign (1 of 4 stars; one submission).

Submission:

CeGaT Center for Human Genetics Tuebingen
Classification: Likely benign. Last evaluated: 2022-08-01. Review status: criteria provided, single submitter. Criteria: CeGaT Center For Human Genetics Tuebingen Variant Classification Criteria Version 2. Collection method: clinical testing. Allele origin: germline. Affected: yes. Observed: 1 variant allele.
Comment: FAM230A: BP4, BP7

NC_000022.11:g.20355973G>A

Variant type: single nucleotide variant.
Genome position: GRCh38 VCF-style: chr22-20355973-G-A. GRCh37 (hg19) VCF-style: chr22-20710263-G-A.
Identifiers: ClinVar variation 2652893 (VCV002652893.24), dbSNP rs200684842, ClinGen allele CA10111010.